The following is an entry in ClinVar:

NM_001370466.1(NOD2):c.973C>T (p.His325Tyr)

Gene: NOD2 (nucleotide binding oligomerization domain containing 2; plus strand). Cytogenetic location: 16q12.1.
Variant type: single nucleotide variant.
Coding change: c.973C>T on transcript NM_001370466.1 (MANE Select); coding-DNA position 973, C replaced by T.
Protein change: p.His325Tyr; replaces histidine 325 with tyrosine.
Molecular consequence: missense variant. On other transcripts: non-coding transcript variant (1).
Genome position (GRCh38, 1-based): chr16:50,710,965, C>T. VCF-style: chr16-50710965-C-T. GRCh37 (hg19) VCF-style: chr16-50744876-C-T.
Other names: c.973C>T, p.His325Tyr (NM_001293557.2); c.1054C>T, p.His352Tyr (NM_022162.3); short protein forms H352Y, H325Y.
Identifiers: ClinVar variation 2083399 (VCV002083399.4), dbSNP rs1964447610, ClinGen allele CA395868124.

ClinVar aggregate classification (germline): Uncertain significance (1 of 4 stars; one submission).

Conditions:
Regional enteritis. Also called: Enteritis, Granulomatous. Identifiers: MedGen C0678202, MeSH D003424.
Blau syndrome (BLAUS). Also called: ARTHROCUTANEOUVEAL GRANULOMATOSIS; GRANULOMATOSIS, FAMILIAL JUVENILE SYSTEMIC; GRANULOMATOSIS, FAMILIAL, BLAU TYPE; GRANULOMATOUS INFLAMMATORY ARTHRITIS, DERMATITIS, AND UVEITIS, FAMILIAL; JABS SYNDROME. Identifiers: Orphanet 90340, MedGen C5201146, MONDO:0008523, OMIM 186580.

Submission:

Labcorp Genetics (formerly Invitae), Labcorp
Classification: Uncertain significance for Regional enteritis; Blau syndrome. Last evaluated: 2022-01-11. Review status: criteria provided, single submitter. Criteria: Invitae Variant Classification Sherloc (09022015). Collection method: clinical testing. Allele origin: germline.
Comment: This variant is not present in population databases (gnomAD no frequency). This sequence change replaces histidine, which is basic and polar, with tyrosine, which is neutral and polar, at codon 352 of the NOD2 protein (p.His352Tyr). This variant has not been reported in the literature in individuals affected with NOD2-related conditions. In summary, the available evidence is currently insufficient to determine the role of this variant in disease. Therefore, it has been classified as a Variant of Uncertain Significance. Advanced modeling of protein sequence and biophysical properties (such as structural, functional, and spatial information, amino acid conservation, physicochemical variation, residue mobility, and thermodynamic stability) performed at Invitae indicates that this missense variant is not expected to disrupt NOD2 protein function.